The following is an entry in ClinVar:

ClinVar aggregate classification (germline): Benign. Review status: criteria provided, single submitter (1 of 4 stars). 2 submissions from 2 submitters: Benign (1). 1 of the submissions does not count toward it. Last evaluated 2025-06-12.

Conditions:
SRA1-related disorder. Also called: SRA1-related condition.

Allele frequency attached by ClinVar (database versions not stated): gnomAD exomes 0.00042 and 0.00121; ExAC 0.00154; gnomAD 0.00456 and 0.00492; TOPMed 0.00496; ESP Exome Variant Server 0.00515; 1000 Genomes Project 0.00519; 1000 Genomes Project 30x 0.00593.
gnomAD v4.1: 1,332 of 1,614,026 alleles (0.083%); highest among the groups gnomAD compares: African/African-American, 1.6%; 5 homozygotes.

Submissions (2):

Labcorp Genetics (formerly Invitae), Labcorp
Classification: Benign. Last evaluated: 2025-06-12. Review status: criteria provided, single submitter. Criteria: Invitae Variant Classification Sherloc (09022015). Collection method: clinical testing. Allele origin: germline.

PreventionGenetics, part of Exact Sciences
Classification: Benign for SRA1-related condition. Last evaluated: 2019-08-09. Review status: no assertion criteria provided. Collection method: clinical testing. Allele origin: germline. Not counted in ClinVar's aggregate classification.
Comment: This variant is classified as benign based on ACMG/AMP sequence variant interpretation guidelines (Richards et al. 2015 PMID: 25741868, with internal and published modifications).

NM_001035235.4(SRA1):c.653C>T (p.Pro218Leu)

Gene: SRA1 (steroid receptor RNA activator 1; minus strand). Cytogenetic location: 5q31.3.
Variant type: single nucleotide variant.
Coding change: c.653C>T on transcript NM_001035235.4 (MANE Select); coding-DNA position 653, C replaced by T.
Protein change: p.Pro218Leu; replaces proline 218 with leucine.
Molecular consequence: missense variant. On other transcripts: non-coding transcript variant (2).
Genome position (GRCh38, 1-based): chr5:140,550,722, G>A on the plus strand (C>T on the coding strand, the complement: SRA1 is on the minus strand). VCF-style: chr5-140550722-G-A. GRCh37 (hg19) VCF-style: chr5-139930307-G-A.
Other names: c.605C>T, p.Pro202Leu (NM_001253764.2); short protein forms P202L, P230L, P218L.
Identifiers: ClinVar variation 785142 (VCV000785142.11), dbSNP rs76646635, ClinGen allele CA3440478.
Genomic context (GRCh38, chr5:140,550,722, plus strand): 5'-ATAGGAGATGGTGTCCGGTGAGTCTGGGGAACCGAGGATTATGAAGCCTGCTGGAAGCCT[G>A]GTATGGTATGGTTCTTCTCAGCTGTGGCTGCAGATTTCTCTTCATTGGCTGCCTCCTCTG-3'
Protein context (NP_001030312.3, residues 208-224): AATAEKNHTI[Pro218Leu]GFQQAS